The following is an entry in ClinVar:

NM_000388.4(CASR):c.2084T>C (p.Ile695Thr)

Gene: CASR (calcium sensing receptor; plus strand). Cytogenetic location: 3q21.1.
Variant type: single nucleotide variant.
Coding change: c.2084T>C on transcript NM_000388.4 (MANE Select); coding-DNA position 2084, T replaced by C.
Protein change: p.Ile695Thr; replaces isoleucine 695 with threonine.
Molecular consequence: missense variant.
Genome position (GRCh38, 1-based): chr3:122,284,038, T>C. VCF-style: chr3-122284038-T-C. GRCh37 (hg19) VCF-style: chr3-122002885-T-C.
Other names: c.2114T>C, p.Ile705Thr (NM_001178065.2); short protein forms I705T, I695T.
Identifiers: ClinVar variation 1372014 (VCV001372014.6), dbSNP rs2107649915, ClinGen allele CA354158462.
Genomic context (GRCh38, chr3:122,284,038, plus strand): 5'-GGACGTGCCGCCTGCGCCAGCCGGCCTTTGGCATCAGCTTCGTGCTCTGCATCTCATGCA[T>C]CCTGGTGAAAACCAACCGTGTCCTCCTGGTGTTTGAGGCCAAGATCCCCACCAGCTTCCA-3'
Protein context (NP_000379.3, residues 685-705): GISFVLCISC[Ile695Thr]LVKTNRVLLV

ClinVar aggregate classification (germline): Uncertain significance (1 of 4 stars; one submission).

Conditions:
Familial hypocalciuric hypercalcemia (FHH). Also called: Familial benign hypercalcemia. Identifiers: Orphanet 405, MedGen C1809471, MONDO:0018458.
Autosomal dominant hypocalcemia 1 (HYPOC1). Also called: HYPOCALCEMIA, FAMILIAL. Identifiers: MedGen C3715128, MONDO:0011013, OMIM 601198.

Submission:

Labcorp Genetics (formerly Invitae), Labcorp
Classification: Uncertain significance for Familial hypocalciuric hypercalcemia; Autosomal dominant hypocalcemia 1. Last evaluated: 2025-04-20. Review status: criteria provided, single submitter. Criteria: Invitae Variant Classification Sherloc (09022015). Collection method: clinical testing. Allele origin: germline.
Comment: This sequence change replaces isoleucine, which is neutral and non-polar, with threonine, which is neutral and polar, at codon 695 of the CASR protein (p.Ile695Thr). This variant is not present in population databases (gnomAD no frequency). This variant has not been reported in the literature in individuals affected with CASR-related conditions. ClinVar contains an entry for this variant (Variation ID: 1372014). An algorithm developed to predict the effect of missense changes on protein structure and function (PolyPhen-2) suggests that this variant is likely to be disruptive. In summary, the available evidence is currently insufficient to determine the role of this variant in disease. Therefore, it has been classified as a Variant of Uncertain Significance.